The following is an entry in ClinVar:

ClinVar aggregate classification (germline): Uncertain significance (1 of 4 stars; one submission).

Submission:

GeneDx
Classification: Uncertain significance. Last evaluated: 2025-04-02. Review status: criteria provided, single submitter. Criteria: GeneDx Variant Classification Process June 2021. Collection method: clinical testing. Allele origin: germline. Affected: yes.
Comment: Not observed at significant frequency in large population cohorts (gnomAD); In silico analysis indicates that this missense variant does not alter protein structure/function; Has not been previously published as pathogenic or benign to our knowledge

NM_001378418.1(TCF20):c.2578C>G (p.Leu860Val)

Gene: TCF20 (transcription factor 20; minus strand). Cytogenetic location: 22q13.2.
Variant type: single nucleotide variant.
Coding change: c.2578C>G on transcript NM_001378418.1 (MANE Select); coding-DNA position 2578, C replaced by G.
Protein change: p.Leu860Val; replaces leucine 860 with valine.
Molecular consequence: missense variant.
Genome position (GRCh38, 1-based): chr22:42,212,728, G>C on the plus strand (C>G on the coding strand, the complement: TCF20 is on the minus strand). VCF-style: chr22-42212728-G-C. GRCh37 (hg19) VCF-style: chr22-42608734-G-C.
Other names: c.2578C>G, p.Leu860Val (NM_005650.4, NM_181492.3); short protein forms L860V.
Identifiers: ClinVar variation 4278826 (VCV004278826.1).